The following is an entry in ClinVar:

NM_002292.4(LAMB2):c.2903G>A (p.Cys968Tyr)

Gene: LAMB2 (laminin subunit beta 2; minus strand). Cytogenetic location: 3p21.31.
Variant type: single nucleotide variant.
Coding change: c.2903G>A on transcript NM_002292.4 (MANE Select); coding-DNA position 2903, G replaced by A.
Protein change: p.Cys968Tyr; replaces cysteine 968 with tyrosine.
Molecular consequence: missense variant.
Genome position (GRCh38, 1-based): chr3:49,124,907, C>T on the plus strand (G>A on the coding strand, the complement: LAMB2 is on the minus strand). VCF-style: chr3-49124907-C-T. GRCh37 (hg19) VCF-style: chr3-49162340-C-T.
Other names: short protein forms C968Y.
Identifiers: ClinVar variation 949180 (VCV000949180.1), dbSNP rs771183113, ClinGen allele CA2394166.

ClinVar aggregate classification (germline): Uncertain significance (1 of 4 stars; one submission).

Conditions:
Pierson syndrome. Also called: MICROCORIA-CONGENITAL NEPHROTIC SYNDROME. Identifiers: Orphanet 2670, MedGen C1836876, MONDO:0012184, OMIM 609049.
LAMB2-related infantile-onset nephrotic syndrome. Also called: Nephrotic Syndrome, type 5; NEPHROTIC SYNDROME, TYPE 5, WITHOUT OCULAR ABNORMALITIES; NEPHROTIC SYNDROME, TYPE 5, WITH OCULAR ABNORMALITIES. Identifiers: Orphanet 306507, MedGen C3280113, MONDO:0013621, OMIM 614199.

Allele frequency attached by ClinVar (database versions not stated): TOPMed below 0.00001; ExAC 0.00001; gnomAD 0.00001; gnomAD exomes 0.00001.
gnomAD v4.1: 10 of 1,613,980 alleles (0.00062%); highest among the groups gnomAD compares: Non-Finnish European, 0.00085%; no homozygotes.

Submission:

Labcorp Genetics (formerly Invitae), Labcorp
Classification: Uncertain significance for Nephrotic syndrome, type 5, with or without ocular abnormalities; Pierson syndrome. Last evaluated: 2019-05-17. Review status: criteria provided, single submitter. Criteria: Invitae Variant Classification Sherloc (09022015). Collection method: clinical testing. Allele origin: germline.
Comment: This sequence change replaces cysteine with tyrosine at codon 968 of the LAMB2 protein (p.Cys968Tyr). The cysteine residue is highly conserved and there is a large physicochemical difference between cysteine and tyrosine. This variant is present in population databases (rs771183113, ExAC 0.002%). This variant has not been reported in the literature in individuals with LAMB2-related conditions. Algorithms developed to predict the effect of missense changes on protein structure and function (SIFT, PolyPhen-2, Align-GVGD) all suggest that this variant is likely to be disruptive, but these predictions have not been confirmed by published functional studies and their clinical significance is uncertain. In summary, the available evidence is currently insufficient to determine the role of this variant in disease. Therefore, it has been classified as a Variant of Uncertain Significance.